The following is an entry in ClinVar:

NM_001371596.2(MFSD8):c.439+2T>A

Gene: MFSD8 (major facilitator superfamily domain containing 8; minus strand). Cytogenetic location: 4q28.2.
Variant type: single nucleotide variant.
Coding change: c.439+2T>A on transcript NM_001371596.2 (MANE Select); the canonical splice donor site of the intron after coding-DNA position 439, T replaced by A.
Molecular consequence: splice donor variant.
Genome position (GRCh38, 1-based): chr4:127,943,750, A>T on the plus strand (T>A on the coding strand, the complement: MFSD8 is on the minus strand). VCF-style: chr4-127943750-A-T. GRCh37 (hg19) VCF-style: chr4-128864905-A-T.
Other names: c.304+2T>A (NM_001371595.1, NM_001410765.1, NM_001371590.2); c.439+2T>A (NM_152778.4, NM_001363521.3, NM_001410766.1 and 6 more transcripts).
Identifiers: ClinVar variation 2029708 (VCV002029708.6), dbSNP rs2546165318, ClinGen allele CA358176644.

ClinVar aggregate classification (germline): Likely pathogenic. Review status: criteria provided, multiple submitters, no conflicts (2 of 4 stars). 2 submissions from 2 submitters: Likely pathogenic (2). Last evaluated 2025-04-21.

Conditions:
Late-infantile neuronal ceroid lipofuscinosis. Also called: Jansky-Bielschowsky disease. Identifiers: MedGen C0022340, MONDO:0015674.
Neuronal ceroid lipofuscinosis 7 (CLN7). Also called: MFSD8-Related Neuronal Ceroid-Lipofuscinosis. Identifiers: Orphanet 168491, Orphanet 228366, MedGen C1838571, MONDO:0012588, OMIM 610951.

Allele frequency attached by ClinVar (database versions not stated): gnomAD exomes below 0.00001.
gnomAD v4.1: 5 of 1,614,132 alleles (0.00031%); highest among the groups gnomAD compares: Non-Finnish European, 0.00042%; no homozygotes.

Submissions (2):

Natera, Inc.
Classification: Likely pathogenic for Late-infantile neuronal ceroid lipofuscinosis. Last evaluated: 2025-04-21. Review status: criteria provided, single submitter. Criteria: Natera Variant Classification Schema (03/2026). Collection method: clinical testing. Allele origin: germline.
Comment: The c.439+2T>A variant in MFSD8 is a canonical splice donor site variant predicted to affect pre-mRNA splicing, which may result in an abnormal transcript and altered protein product. This variant is expected to result in nonsense mediated decay, truncation, or a dysfunctional protein product. This variant is rare in the general population with a frequency below the threshold expected for the associated phenotype(s). Given the available evidence, this variant is classified as Likely Pathogenic.

Labcorp Genetics (formerly Invitae), Labcorp
Classification: Likely pathogenic for Neuronal ceroid lipofuscinosis 7. Last evaluated: 2022-09-09. Review status: criteria provided, single submitter. Criteria: Invitae Variant Classification Sherloc (09022015). Collection method: clinical testing. Allele origin: germline.
Comment: This sequence change affects a donor splice site in intron 5 of the MFSD8 gene. It is expected to disrupt RNA splicing. Variants that disrupt the donor or acceptor splice site typically lead to a loss of protein function (PMID: 16199547), and loss-of-function variants in MFSD8 are known to be pathogenic (PMID: 19177532, 25227500, 28586915). This variant is not present in population databases (gnomAD no frequency). This variant has not been reported in the literature in individuals affected with MFSD8-related conditions. Algorithms developed to predict the effect of sequence changes on RNA splicing suggest that this variant may disrupt the consensus splice site. In summary, the currently available evidence indicates that the variant is pathogenic, but additional data are needed to prove that conclusively. Therefore, this variant has been classified as Likely Pathogenic.

Literature cited by the submitters: PubMed 16199547 (cited by Labcorp Genetics (formerly Invitae), Labcorp); PubMed 19177532 (cited by Labcorp Genetics (formerly Invitae), Labcorp); PubMed 25227500 (cited by Labcorp Genetics (formerly Invitae), Labcorp); PubMed 28586915 (cited by Labcorp Genetics (formerly Invitae), Labcorp).